The following is an entry in ClinVar:

NM_000363.5(TNNI3):c.581A>C (p.Asn194Thr)

Gene: TNNI3 (troponin I3, cardiac type; minus strand). Cytogenetic location: 19q13.42.
Variant type: single nucleotide variant.
Coding change: c.581A>C on transcript NM_000363.5 (MANE Select); coding-DNA position 581, A replaced by C.
Protein change: p.Asn194Thr; replaces asparagine 194 with threonine.
Molecular consequence: missense variant.
Genome position (GRCh38, 1-based): chr19:55,151,886, T>G on the plus strand (A>C on the coding strand, the complement: TNNI3 is on the minus strand). VCF-style: chr19-55151886-T-G. GRCh37 (hg19) VCF-style: chr19-55663254-T-G.
Other names: c.581A>C (LRG_432t1); short protein forms N194T.
Identifiers: ClinVar variation 519178 (VCV000519178.16), dbSNP rs730881081, ClinGen allele CA051878.

ClinVar aggregate classification (germline): Uncertain significance. Review status: criteria provided, multiple submitters, no conflicts (2 of 4 stars). 4 submissions from 4 submitters: Uncertain significance (4). Last evaluated 2025-09-27.

Conditions:
Hypertrophic cardiomyopathy. Also called: HYPERTROPHIC MYOCARDIOPATHY. Identifiers: Orphanet 217569, MedGen C0007194, MeSH D002312, MONDO:0005045, HP:0001639.
Cardiovascular phenotype. Identifiers: MedGen CN230736.
Cardiomyopathy (CMYO). Also called: Cardiomyopathies. Identifiers: Orphanet 167848, MedGen C0878544, MONDO:0004994, HP:0001638. Inheritance: Various modes of inheritance.

Allele frequency attached by ClinVar (database versions not stated): gnomAD exomes below 0.00001; ExAC 0.00001; TOPMed 0.00001.
gnomAD v4.1: 1 of 1,614,092 alleles (0.000062%); highest among the groups gnomAD compares: Non-Finnish European, 0.000085%; no homozygotes.

Submissions (4):

Labcorp Genetics (formerly Invitae), Labcorp
Classification: Uncertain significance for Hypertrophic cardiomyopathy. Last evaluated: 2025-09-27. Review status: criteria provided, single submitter. Criteria: Invitae Variant Classification Sherloc (09022015). Collection method: clinical testing. Allele origin: germline.
Comment: This sequence change replaces asparagine, which is neutral and polar, with threonine, which is neutral and polar, at codon 194 of the TNNI3 protein (p.Asn194Thr). This variant is present in population databases (rs730881081, gnomAD 0.0009%). This missense change has been observed in individual(s) with hypertrophic cardiomyopathy (PMID: 27532257, 37652022). ClinVar contains an entry for this variant (Variation ID: 519178). An algorithm developed to predict the effect of missense changes on protein structure and function (PolyPhen-2) suggests that this variant is likely to be disruptive. This variant disrupts the p.Asn194 amino acid residue in TNNI3. Other variant(s) that disrupt this residue have been observed in individuals with TNNI3-related conditions (PMID: 25524337, 31568572), which suggests that this may be a clinically significant amino acid residue. In summary, the available evidence is currently insufficient to determine the role of this variant in disease. Therefore, it has been classified as a Variant of Uncertain Significance.

All of Us Research Program, National Institutes of Health
Classification: Uncertain significance for Hypertrophic cardiomyopathy. Last evaluated: 2024-09-11. Review status: criteria provided, single submitter. Criteria: ACMG Guidelines, 2015. Collection method: clinical testing. Allele origin: germline. Inheritance: Autosomal dominant inheritance. Observed: 3 variant alleles, 3 heterozygotes.
Comment: This missense variant replaces asparagine with threonine at codon 194 of the TNNI3 protein. Computational prediction suggests that this variant may have deleterious impact on protein structure and function (internally defined REVEL score threshold >= 0.7, PMID: 27666373). To our knowledge, functional studies have not been reported for this variant. This variant has been reported in an individual affected with hypertrophic cardiomyopathy (PMID: 27532257). This variant has been identified in 1/249570 chromosomes in the general population by the Genome Aggregation Database (gnomAD). The available evidence is insufficient to determine the role of this variant in disease conclusively. Therefore, this variant is classified as a Variant of Uncertain Significance.

This study involves interpretation of variants in research participants for the purpose of population health screening. Participant phenotype was not available at the time of variant classification. Additional details can be found in publication PMID: 35346344, PMCID: PMC8962531

Color Diagnostics, LLC DBA Color Health
Classification: Uncertain significance for Cardiomyopathy. Last evaluated: 2021-01-05. Review status: criteria provided, single submitter. Criteria: ACMG Guidelines, 2015. Collection method: clinical testing. Allele origin: germline.
Comment: This missense variant replaces asparagine with threonine at codon 194 of the TNNI3 protein. Computational prediction suggests that this variant may have deleterious impact on protein structure and function (internally defined REVEL score threshold >= 0.7, PMID: 27666373). To our knowledge, functional studies have not been reported for this variant. This variant has been reported in an individual affected with hypertrophic cardiomyopathy (PMID: 27532257). This variant has been identified in 1/249570 chromosomes in the general population by the Genome Aggregation Database (gnomAD). The available evidence is insufficient to determine the role of this variant in disease conclusively. Therefore, this variant is classified as a Variant of Uncertain Significance.

Ambry Genetics
Classification: Uncertain significance for Cardiovascular phenotype. Last evaluated: 2017-08-08. Review status: criteria provided, single submitter. Criteria: Ambry Variant Classification Scheme 2023. Collection method: clinical testing. Allele origin: germline.
Comment: The p.N194T variant (also known as c.581A>C), located in coding exon 8 of the TNNI3 gene, results from an A to C substitution at nucleotide position 581. The asparagine at codon 194 is replaced by threonine, an amino acid with similar properties. This alteration has been reported in a hypertrophic cardiomyopathy (HCM) testing cohort; however, clinical details were not provided (Walsh R et al. Genet. Med., 2017 Feb;19:192-203). An alternate substitution at this amino acid position, p.N194S, has been detected in at least two patients with confirmed HCM (Coppini R et al. J. Am. Coll. Cardiol., 2014 Dec;64:2589-600; Cecconi M et al. Int. J. Mol. Med., 2016 Oct;38:1111-24). This amino acid position is highly conserved in available vertebrate species. In addition, the in silico prediction for this alteration is inconclusive. Since supporting evidence is limited at this time, the clinical significance of this alteration remains unclear.

Literature cited by the submitters: PubMed 27532257 (cited by 3 submitters); PubMed 37652022 (cited by Labcorp Genetics (formerly Invitae), Labcorp); PubMed 25524337 (cited by Labcorp Genetics (formerly Invitae), Labcorp and Ambry Genetics); PubMed 31568572 (cited by Labcorp Genetics (formerly Invitae), Labcorp); PubMed 27600940 (cited by Ambry Genetics).